The following is an entry in ClinVar:

NM_001330311.2(DVL1):c.1530C>A (p.Asn510Lys)

Gene: DVL1 (dishevelled segment polarity protein 1; minus strand). Cytogenetic location: 1p36.33.
Variant type: single nucleotide variant.
Coding change: c.1530C>A on transcript NM_001330311.2 (MANE Select); coding-DNA position 1530, C replaced by A.
Protein change: p.Asn510Lys; replaces asparagine 510 with lysine.
Molecular consequence: missense variant.
Genome position (GRCh38, 1-based): chr1:1,338,161, G>T on the plus strand (C>A on the coding strand, the complement: DVL1 is on the minus strand). VCF-style: chr1-1338161-G-T. GRCh37 (hg19) VCF-style: chr1-1273541-G-T.
Other names: c.1455C>A, p.Asn485Lys (NM_004421.3); short protein forms N485K, N510K.
Identifiers: ClinVar variation 2736513 (VCV002736513.3), dbSNP rs755456412, ClinGen allele CA520016.
Genomic context (GRCh38, chr1:1,338,161, plus strand): 5'-GGCAGCCGGGTGGGGCAGCGGGGCCAGCGTGTCCTGATCCGAAGTCCCACTGGAGCCACT[G>T]TTGAGGTTCAGGGTGGCGAGATCTGGCGGGGGAGGGTAGGTGAGGGCCGCGGAGGGGCCT-3'
Protein context (NP_001317240.1, residues 500-520): LCSNLATLNL[Asn510Lys]SGSSGTSDQD

ClinVar aggregate classification (germline): Uncertain significance (1 of 4 stars; one submission).

Allele frequency attached by ClinVar (database versions not stated): TOPMed below 0.00001; ExAC 0.00001; gnomAD 0.00001.

Submission:

Labcorp Genetics (formerly Invitae), Labcorp
Classification: Uncertain significance. Last evaluated: 2023-07-25. Review status: criteria provided, single submitter. Criteria: Invitae Variant Classification Sherloc (09022015). Collection method: clinical testing. Allele origin: germline.
Comment: In summary, the available evidence is currently insufficient to determine the role of this variant in disease. Therefore, it has been classified as a Variant of Uncertain Significance. Algorithms developed to predict the effect of sequence changes on RNA splicing suggest that this variant may disrupt the consensus splice site. Advanced modeling of protein sequence and biophysical properties (such as structural, functional, and spatial information, amino acid conservation, physicochemical variation, residue mobility, and thermodynamic stability) performed at Invitae indicates that this missense variant is not expected to disrupt DVL1 protein function. This variant has not been reported in the literature in individuals affected with DVL1-related conditions. The frequency data for this variant in the population databases is considered unreliable, as metrics indicate poor data quality at this position in the gnomAD database. This sequence change replaces asparagine, which is neutral and polar, with lysine, which is basic and polar, at codon 485 of the DVL1 protein (p.Asn485Lys).